The following is an entry in ClinVar:

NM_001242896.3(DEPDC5):c.1794del (p.Asn599fs)

Gene: DEPDC5 (DEP domain containing 5, GATOR1 subcomplex subunit; plus strand). Cytogenetic location: 22q12.3.
Variant type: Deletion.
Coding change: c.1794del on transcript NM_001242896.3 (MANE Select); coding-DNA position 1794, one base deleted (T; older notation c.1794delT).
Protein change: p.Asn599fs; shifts the reading frame from asparagine 599.
Molecular consequence: frameshift variant. On other transcripts: non-coding transcript variant (5).
Genome position (GRCh38, 1-based): chr22:31,819,149, T deleted; the last of 2 consecutive T bases (chr22:31,819,148-31,819,149); deleting either gives the same sequence. VCF-style (leftmost placement, unchanged base first): chr22-31819147-AT-A. GRCh37 (hg19) VCF-style: chr22-32215133-AT-A.
Other names: c.1794del, p.Asn599fs (NM_001369903.1, NM_014662.6, NM_001136029.4 and 6 more transcripts); c.1710del, p.Asn571fs (NM_001369901.1, NM_001369902.1); short protein forms N571fs, N599fs.
Identifiers: ClinVar variation 4537904 (VCV004537904.1).

ClinVar aggregate classification (germline): Pathogenic (1 of 4 stars; one submission).

Submission:

GeneDx
Classification: Pathogenic. Last evaluated: 2025-06-11. Review status: criteria provided, single submitter. Criteria: GeneDx Variant Classification Process June 2021. Collection method: clinical testing. Allele origin: germline. Affected: yes.
Comment: Frameshift variant predicted to result in protein truncation or nonsense mediated decay in a gene for which loss of function is a known mechanism of disease; Not observed at significant frequency in large population cohorts (gnomAD); Has not been previously published as pathogenic or benign to our knowledge